The following is an entry in ClinVar:

ClinVar aggregate classification (germline): Uncertain significance (1 of 4 stars; one submission).

gnomAD v4.1: 1 of 1,612,612 alleles (0.000062%); highest among the groups gnomAD compares: Non-Finnish European, 0.000085%; no homozygotes.

Submission:

Labcorp Genetics (formerly Invitae), Labcorp
Classification: Uncertain significance. Last evaluated: 2024-11-07. Review status: criteria provided, single submitter. Criteria: Invitae Variant Classification Sherloc (09022015). Collection method: clinical testing. Allele origin: germline.
Comment: This sequence change replaces glutamic acid, which is acidic and polar, with aspartic acid, which is acidic and polar, at codon 659 of the LEMD3 protein (p.Glu659Asp). This variant is not present in population databases (gnomAD no frequency). This variant has not been reported in the literature in individuals affected with LEMD3-related conditions. Invitae Evidence Modeling of protein sequence and biophysical properties (such as structural, functional, and spatial information, amino acid conservation, physicochemical variation, residue mobility, and thermodynamic stability) indicates that this missense variant is not expected to disrupt LEMD3 protein function with a negative predictive value of 80%. In summary, the available evidence is currently insufficient to determine the role of this variant in disease. Therefore, it has been classified as a Variant of Uncertain Significance.

NM_014319.5(LEMD3):c.1977A>C (p.Glu659Asp)

Gene: LEMD3 (LEM domain containing 3; plus strand). Cytogenetic location: 12q14.3.
Variant type: single nucleotide variant.
Coding change: c.1977A>C on transcript NM_014319.5 (MANE Select); coding-DNA position 1977, A replaced by C.
Protein change: p.Glu659Asp; replaces glutamic acid 659 with aspartic acid.
Molecular consequence: missense variant.
Genome position (GRCh38, 1-based): chr12:65,239,984, A>C. VCF-style: chr12-65239984-A-C. GRCh37 (hg19) VCF-style: chr12-65633764-A-C.
Other names: c.1974A>C, p.Glu658Asp (NM_001167614.2); short protein forms E658D, E659D.
Identifiers: ClinVar variation 3622544 (VCV003622544.2).